The following is an entry in ClinVar:

ClinVar aggregate classification (germline): Uncertain significance (1 of 4 stars; one submission).

gnomAD v4.1: 1 of 1,604,368 alleles (0.000062%); highest among the groups gnomAD compares: Non-Finnish European, 0.000085%; no homozygotes.

Submission:

GeneDx
Classification: Uncertain significance. Last evaluated: 2024-08-08. Review status: criteria provided, single submitter. Criteria: GeneDx Variant Classification Process June 2021. Collection method: clinical testing. Allele origin: germline. Affected: yes.
Comment: Has not been previously published as pathogenic or benign to our knowledge; Not observed at significant frequency in large population cohorts (gnomAD); In silico analysis supports that this missense variant has a deleterious effect on protein structure/function

NM_004301.5(ACTL6A):c.550G>A (p.Asp184Asn)

Gene: ACTL6A (actin like 6A; plus strand). Cytogenetic location: 3q26.33.
Variant type: single nucleotide variant.
Coding change: c.550G>A on transcript NM_004301.5 (MANE Select); coding-DNA position 550, G replaced by A.
Protein change: p.Asp184Asn; replaces aspartic acid 184 with asparagine.
Molecular consequence: missense variant.
Genome position (GRCh38, 1-based): chr3:179,576,290, G>A. VCF-style: chr3-179576290-G-A. GRCh37 (hg19) VCF-style: chr3-179294078-G-A.
Other names: c.424G>A, p.Asp142Asn (NM_177989.4, NM_178042.4); short protein forms D142N, D184N.
Identifiers: ClinVar variation 3602947 (VCV003602947.1).